The following is an entry in ClinVar:

ClinVar aggregate classification (germline): Uncertain significance. Review status: criteria provided, multiple submitters, no conflicts (2 of 4 stars). 4 submissions from 4 submitters: Uncertain significance (2). 2 of the submissions do not count toward it. Last evaluated 2025-10-12.

Conditions:
Distal myopathy with posterior leg and anterior hand involvement. Also called: WILLIAMS DISTAL MYOPATHY. Identifiers: Orphanet 63273, MedGen C3279722, MONDO:0013550, OMIM 614065.
Myofibrillar myopathy 5. Also called: Filaminopathy (type); FILAMINOPATHY, AUTOSOMAL DOMINANT. Identifiers: Orphanet 171445, MedGen C1836050, MONDO:0012289, OMIM 609524.
Hypertrophic cardiomyopathy 26. Also called: Cardiomyopathy, familial hypertrophic, 26. Identifiers: Orphanet 75249, MedGen C4310749, MONDO:0014883, OMIM 617047.

Allele frequency attached by ClinVar (database versions not stated): gnomAD 0.00001.
gnomAD v4.1: 3 of 1,612,934 alleles (0.00019%); highest among the groups gnomAD compares: Non-Finnish European, 0.00025%; no homozygotes.

Submissions (4):

Labcorp Genetics (formerly Invitae), Labcorp
Classification: Uncertain significance for Distal myopathy with posterior leg and anterior hand involvement; Myofibrillar myopathy 5; Hypertrophic cardiomyopathy 26. Last evaluated: 2025-10-12. Review status: criteria provided, single submitter. Criteria: Invitae Variant Classification Sherloc (09022015). Collection method: clinical testing. Allele origin: germline.
Comment: This sequence change replaces glutamic acid, which is acidic and polar, with lysine, which is basic and polar, at codon 2458 of the FLNC protein (p.Glu2458Lys). This variant is not present in population databases (gnomAD no frequency). This variant has not been reported in the literature in individuals affected with FLNC-related conditions. ClinVar contains an entry for this variant (Variation ID: 1284947). Invitae Evidence Modeling of protein sequence and biophysical properties (such as structural, functional, and spatial information, amino acid conservation, physicochemical variation, residue mobility, and thermodynamic stability) indicates that this missense variant is not expected to disrupt FLNC protein function with a negative predictive value of 95%. In summary, the available evidence is currently insufficient to determine the role of this variant in disease. Therefore, it has been classified as a Variant of Uncertain Significance.

GeneDx
Classification: Uncertain significance. Last evaluated: 2025-05-22. Review status: criteria provided, single submitter. Criteria: GeneDx Variant Classification Process June 2021. Collection method: clinical testing. Allele origin: germline.
Comment: Not observed at significant frequency in large population cohorts (gnomAD); In silico analysis supports that this missense variant has a deleterious effect on protein structure/function; Has not been previously published as pathogenic or benign to our knowledge

Genome Diagnostics Laboratory, University Medical Center Utrecht
Classification: Uncertain significance. Review status: no assertion criteria provided. Collection method: clinical testing. Allele origin: germline. Affected: yes. Study: VKGL Data-share Consensus. Not counted in ClinVar's aggregate classification.

Joint Genome Diagnostic Labs from Nijmegen and Maastricht, Radboudumc and MUMC+
Classification: Uncertain significance. Review status: no assertion criteria provided. Collection method: clinical testing. Allele origin: germline. Affected: yes. Study: VKGL Data-share Consensus. Not counted in ClinVar's aggregate classification.

NM_001458.5(FLNC):c.7372G>A (p.Glu2458Lys)

Genes: FLNC (filamin C; plus strand), FLNC-AS1 (FLNC antisense RNA 1; minus strand). Cytogenetic location: 7q32.1.
Variant type: single nucleotide variant.
Coding change: c.7372G>A on transcript NM_001458.5 (MANE Select); coding-DNA position 7372, G replaced by A.
Protein change: p.Glu2458Lys; replaces glutamic acid 2458 with lysine.
Molecular consequence: missense variant.
Genome position (GRCh38, 1-based): chr7:128,856,638, G>A. VCF-style: chr7-128856638-G-A. GRCh37 (hg19) VCF-style: chr7-128496692-G-A.
Other names: c.7372G>A (NM_001458.4); c.7273G>A, p.Glu2425Lys (NM_001127487.2); short protein forms E2425K, E2458K.
Identifiers: ClinVar variation 1284947 (VCV001284947.7), dbSNP rs2128940160, ClinGen allele CA369217032.
Genomic context (GRCh38, chr7:128,856,638, plus strand): 5'-GGCGTGATTGATGCCCGGGTGCACACACCCTCGGGGGCTGTGGAGGAGTGCTACGTCTCT[G>A]AGCTGGACAGTGGTGAGCTGGCCCTGCCCCTGCCAACTCCCTTCCGGGCTGGGGCCTTCT-3'
Protein context (NP_001449.3, residues 2448-2468): SGAVEECYVS[Glu2458Lys]LDSDKHTIRF